The following is an entry in ClinVar:

NM_001277115.2(DNAH11):c.5500C>G (p.Arg1834Gly)

Gene: DNAH11 (dynein axonemal heavy chain 11; plus strand). Cytogenetic location: 7p15.3.
Variant type: single nucleotide variant.
Coding change: c.5500C>G on transcript NM_001277115.2 (MANE Select); coding-DNA position 5500, C replaced by G.
Protein change: p.Arg1834Gly; replaces arginine 1834 with glycine.
Molecular consequence: missense variant.
Genome position (GRCh38, 1-based): chr7:21,683,823, C>G. VCF-style: chr7-21683823-C-G. GRCh37 (hg19) VCF-style: chr7-21723441-C-G.
Other names: NM_001277115.2:c.5500C>G; short protein forms R1834G.
Identifiers: ClinVar variation 3776926 (VCV003776926.1).

ClinVar aggregate classification (germline): Uncertain significance (1 of 4 stars; one submission).

Conditions:
Primary ciliary dyskinesia 7. Also called: CILIARY DYSKINESIA, PRIMARY, 7, WITH OR WITHOUT SITUS INVERSUS. Identifiers: Orphanet 244, MedGen C2678473, MONDO:0012748, OMIM 611884.

gnomAD v4.1: 2 of 1,611,590 alleles (0.00012%); highest among the groups gnomAD compares: Non-Finnish European, 0.00017%; no homozygotes.

Submission:

Broad Center for Mendelian Genomics, Broad Institute of MIT and Harvard
Classification: Uncertain significance for Primary ciliary dyskinesia 7. Last evaluated: 2025-02-12. Review status: criteria provided, single submitter. Criteria: ACMG Guidelines, 2015. Collection method: curation. Allele origin: germline. Inheritance: Autosomal recessive inheritance.
Comment: The p.Arg1834Gly variant in DNAH11 has been reported, in the compound heterozygous state, in at least 1 individual with primary ciliary dyskinesia (PMID: 24450482; Variation ID: 36981), and has been identified in 0.0002% (2/1178730) of European (non-Finnish) chromosomes by the Genome Aggregation Database (gnomAD). Although this variant has been seen in the general population in a heterozygous state, its frequency is low enough to be consistent with a recessive carrier frequency. Computational prediction tools and conservation analyses do not provide strong support for or against an impact to the protein. In summary, the clinical significance of the p.Arg1834Gly variant is uncertain. ACMG/AMP Criteria applied: PM2_supporting, PM3_supporting (Richards 2015).